The following is an entry in ClinVar:

ClinVar aggregate classification (germline): Likely benign. Review status: criteria provided, single submitter (1 of 4 stars). 2 submissions from 2 submitters: Likely benign (1). 1 of the submissions does not count toward it. Last evaluated 2025-11-25.

Conditions:
TAOK2-related disorder. Also called: TAOK2-related condition.

Allele frequency attached by ClinVar (database versions not stated): gnomAD exomes 0.00007 and 0.00011; 1000 Genomes Project 0.00020; 1000 Genomes Project 30x 0.00031.
gnomAD v4.1: 122 of 1,614,046 alleles (0.0076%); highest among the groups gnomAD compares: Admixed American, 0.023%; no homozygotes.

Submissions (2):

Labcorp Genetics (formerly Invitae), Labcorp
Classification: Likely benign. Last evaluated: 2025-11-25. Review status: criteria provided, single submitter. Criteria: Invitae Variant Classification Sherloc (09022015). Collection method: clinical testing. Allele origin: germline.

PreventionGenetics, part of Exact Sciences
Classification: Likely benign for TAOK2-related condition. Last evaluated: 2024-04-18. Review status: no assertion criteria provided. Collection method: clinical testing. Allele origin: germline. Not counted in ClinVar's aggregate classification.
Comment: This variant is classified as likely benign based on ACMG/AMP sequence variant interpretation guidelines (Richards et al. 2015 PMID: 25741868, with internal and published modifications).

NM_016151.4(TAOK2):c.330C>G (p.Gly110=)

Gene: TAOK2 (TAO kinase 2; plus strand). Cytogenetic location: 16p11.2.
Variant type: single nucleotide variant.
Coding change: c.330C>G on transcript NM_016151.4 (MANE Select); coding-DNA position 330, C replaced by G.
Protein change: p.Gly110=; no amino-acid change (glycine 110 retained).
Molecular consequence: synonymous variant.
Genome position (GRCh38, 1-based): chr16:29,978,822, C>G. VCF-style: chr16-29978822-C-G. GRCh37 (hg19) VCF-style: chr16-29990143-C-G.
Other names: c.330C>G, p.Gly110= (NM_001252043.2, NM_004783.4); c.330C>G (NM_016151.3).
Identifiers: ClinVar variation 1592159 (VCV001592159.9), dbSNP rs557980258, ClinGen allele CA7997779.